The following is an entry in ClinVar:

ClinVar aggregate classification (germline): Likely pathogenic (1 of 4 stars; one submission).

Conditions:
Sotos syndrome (SOTOS). Also called: CHROMOSOME 5q35 DELETION SYNDROME; CEREBRAL GIGANTISM; Sotos' syndrome; Distinctive facial appearance, overgrowth in childhood, and learning disabilities or delayed development; SOTOS SYNDROME 1. Identifiers: Orphanet 821, MedGen C0175695, MONDO:0019349, OMIM 117550.

Submission:

3billion
Classification: Likely pathogenic for Sotos syndrome. Last evaluated: 2026-01-06. Review status: criteria provided, single submitter. Criteria: ACMG Guidelines, 2015. Collection method: clinical testing. Allele origin: germline. Affected: yes.
Comment: The variant is not observed in the gnomAD v4.1.0 dataset. Predicted Consequence/Location: Frameshift: predicted to result in a loss or disruption of normal protein function through nonsense-mediated decay (NMD) or protein truncation. Multiple pathogenic variants are reported downstream of the variant. Therefore, this variant is classified as Likely pathogenic according to the recommendation of ACMG/AMP guideline.

NM_022455.5(NSD1):c.6411del (p.Cys2138fs)

Gene: NSD1 (nuclear receptor binding SET domain protein 1; plus strand). Cytogenetic location: 5q35.3.
Variant type: Deletion.
Coding change: c.6411del on transcript NM_022455.5 (MANE Select); coding-DNA position 6411, one base deleted (C; older notation c.6411delC).
Protein change: p.Cys2138fs; shifts the reading frame from cysteine 2138.
Molecular consequence: frameshift variant.
Genome position (GRCh38, 1-based): chr5:177,292,106, C deleted. VCF-style (leftmost placement, unchanged base first): chr5-177292105-GC-G. GRCh37 (hg19) VCF-style: chr5-176719106-GC-G.
Other names: c.5538del, p.Cys1847fs (NM_001365684.2, NM_001409308.1, NM_172349.5); c.6411del, p.Cys2138fs (NM_001409301.1, NM_001409302.1, NM_001409303.1); c.5991del, p.Cys1998fs (NM_001409304.1); c.5658del, p.Cys1887fs (NM_001409305.1); c.5649del, p.Cys1884fs (NM_001409306.1, NM_001409307.1); c.5289del, p.Cys1764fs (NM_001409309.1); short protein forms C1764fs, C1847fs, C1884fs, C1887fs, C1998fs, C2138fs.
Identifiers: ClinVar variation 4854052 (VCV004854052.1).